The following is an entry in ClinVar:

ClinVar aggregate classification (germline): Uncertain significance (1 of 4 stars; one submission).

gnomAD v4.1: 2 of 1,611,658 alleles (0.00012%); highest among the groups gnomAD compares: Non-Finnish European, 0.00017%; no homozygotes.

Submission:

GeneDx
Classification: Uncertain significance. Last evaluated: 2023-06-22. Review status: criteria provided, single submitter. Criteria: GeneDx Variant Classification Process June 2021. Collection method: clinical testing. Allele origin: germline. Affected: yes.
Comment: Not observed at significant frequency in large population cohorts (gnomAD); In silico analysis supports that this missense variant does not alter protein structure/function; Has not been previously published as pathogenic or benign to our knowledge

NM_001378615.1(CC2D2A):c.394C>G (p.Arg132Gly)

Genes: CC2D2A (coiled-coil and C2 domain containing 2A; plus strand), FBXL5 (F-box and leucine rich repeat protein 5; minus strand). Cytogenetic location: 4p15.32.
Variant type: single nucleotide variant.
Coding change: c.394C>G on transcript NM_001378615.1 (MANE Select); coding-DNA position 394, C replaced by G.
Protein change: p.Arg132Gly; replaces arginine 132 with glycine.
Molecular consequence: missense variant.
Genome position (GRCh38, 1-based): chr4:15,502,879, C>G. VCF-style: chr4-15502879-C-G. GRCh37 (hg19) VCF-style: chr4-15504502-C-G.
Other names: c.394C>G, p.Arg132Gly (NM_001080522.2); c.247C>G, p.Arg83Gly (NM_001378617.1); short protein forms R132G, R83G.
Identifiers: ClinVar variation 3360145 (VCV003360145.1).
Genomic context (GRCh38, chr4:15,502,879, plus strand): 5'-TAGTCCAAAGCAGAAAGTGCATTGCTGCAGGAAATCCCCACTCCTCGGCCCAGACGCTTA[C>G]GAAGTCCCAGTAAGAAAGAATTGGAGACTGAATTTGGCACAGAGGTGAGAAATACCCTCT-3'
Protein context (NP_001365544.1, residues 122-142): EIPTPRPRRL[Arg132Gly]SPSKKELETE